The following is an entry in ClinVar:

NM_000540.3(RYR1):c.8347G>C (p.Glu2783Gln)

Genes: RYR1 (ryanodine receptor 1; plus strand), LOC126862902 (BRD4-independent group 4 enhancer GRCh37_chr19:38995830-38997029; plus strand). Cytogenetic location: 19q13.2.
Variant type: single nucleotide variant.
Coding change: c.8347G>C on transcript NM_000540.3 (MANE Select); coding-DNA position 8347, G replaced by C.
Protein change: p.Glu2783Gln; replaces glutamic acid 2783 with glutamine.
Molecular consequence: missense variant.
Genome position (GRCh38, 1-based): chr19:38,505,345, G>C. VCF-style: chr19-38505345-G-C. GRCh37 (hg19) VCF-style: chr19-38995985-G-C.
Other names: c.8347G>C, p.Glu2783Gln (NM_001042723.2); short protein forms E2783Q.
Identifiers: ClinVar variation 590612 (VCV000590612.4), dbSNP rs761023180, ClinGen allele CA071872.

ClinVar aggregate classification (germline): Uncertain significance. Review status: criteria provided, multiple submitters, no conflicts (2 of 4 stars). 2 submissions from 2 submitters: Uncertain significance (2). Last evaluated 2024-06-11.

Conditions:
Malignant hyperthermia, susceptibility to, 1 (MHS1). Also called: Anesthesia related hyperthermia; Malignant hyperpyrexia; Fulminating hyperpyrexia; Pharmacogenic myopathy; RYR1-Related Malignant Hyperthermia Susceptibility; Malignant hyperthermia suceptibility 1. Identifiers: Orphanet 423, MedGen C2930980, MONDO:0007783, OMIM 145600.

Allele frequency attached by ClinVar (database versions not stated): ExAC 0.00001.

Submissions (2):

All of Us Research Program, National Institutes of Health
Classification: Uncertain significance for Malignant hyperthermia, susceptibility to, 1. Last evaluated: 2024-06-11. Review status: criteria provided, single submitter. Criteria: ACMG Guidelines, 2015. Collection method: clinical testing. Allele origin: germline. Inheritance: Autosomal dominant inheritance. Observed: 7 variant alleles, 7 heterozygotes.
Comment: This missense variant replaces glutamic acid with glutamine at codon 2783 of the RYR1 protein. Computational prediction is inconclusive regarding the impact of this variant on protein structure and function (internally defined REVEL score threshold 0.5 < inconclusive < 0.7, PMID: 27666373). To our knowledge, functional studies have not been reported for this variant. This variant has not been reported in individuals affected with RYR1-related disorders in the literature. This variant has been identified in 1/249456 chromosomes in the general population by the Genome Aggregation Database (gnomAD). The available evidence is insufficient to determine the role of this variant in disease conclusively. Therefore, this variant is classified as a Variant of Uncertain Significance.

This study involves interpretation of variants in research participants for the purpose of population health screening. Participant phenotype was not available at the time of variant classification. Additional details can be found in publication PMID: 35346344, PMCID: PMC8962531

PreventionGenetics, part of Exact Sciences
Classification: Uncertain significance. Last evaluated: 2015-09-23. Review status: criteria provided, single submitter. Criteria: ACMG Guidelines, 2015. Collection method: clinical testing. Allele origin: germline.